The following is an entry in ClinVar:

ClinVar aggregate classification (germline): Benign (1 of 4 stars; one submission).

Conditions:
Breast-ovarian cancer, familial, susceptibility to, 3. Also called: RAD51C-Related Breast/Ovarian Cancer. Identifiers: Orphanet 145, MedGen C3150659, MONDO:0013253, OMIM 613399.

gnomAD v4.1: 1 of 1,612,060 alleles (0.000062%); highest among the groups gnomAD compares: Non-Finnish European, 0.000085%; no homozygotes.

Submission:

Myriad Genetics, Inc.
Classification: Benign for Breast-ovarian cancer, familial, susceptibility to, 3. Last evaluated: 2025-02-18. Review status: criteria provided, single submitter. Criteria: Myriad Autosomal Dominant, Autosomal Recessive and X-Linked Classification Criteria (2023). Collection method: clinical testing. Allele origin: unknown.
Comment: This variant is considered benign. This variant is a silent/synonymous amino acid change and it is not expected to impact splicing.

NM_058216.3(RAD51C):c.699C>T (p.His233=)

Genes: RAD51C (RAD51 paralog C; plus strand), LOC129390903 (MPRA-validated peak2919 silencer; plus strand). Cytogenetic location: 17q22.
Variant type: single nucleotide variant.
Coding change: c.699C>T on transcript NM_058216.3 (MANE Select); coding-DNA position 699, C replaced by T.
Protein change: p.His233=; no amino-acid change (histidine 233 retained).
Molecular consequence: synonymous variant. On other transcripts: non-coding transcript variant (1).
Genome position (GRCh38, 1-based): chr17:58,703,323, C>T. VCF-style: chr17-58703323-C-T. GRCh37 (hg19) VCF-style: chr17-56780684-C-T.
Identifiers: ClinVar variation 3903681 (VCV003903681.1).